The following is an entry in ClinVar:

NM_003384.3(VRK1):c.653_662dup (p.His221fs)

Gene: VRK1 (VRK serine/threonine kinase 1; plus strand). Cytogenetic location: 14q32.2.
Variant type: Duplication.
Coding change: c.653_662dup on transcript NM_003384.3 (MANE Select); coding-DNA positions 653 to 662, 10 bases duplicated (AAAGATGTCA; older notation c.653_662dupAAAGATGTCA).
Protein change: p.His221fs; shifts the reading frame from histidine 221.
Molecular consequence: frameshift variant.
Genome position (GRCh38, 1-based): chr14:96,855,300-96,855,309, AAAGATGTCA duplicated; duplicating any 10 consecutive bases within chr14:96,855,298-96,855,309 gives the same sequence; the c. name uses the placement nearest the transcript's 3' end. VCF-style (leftmost placement, unchanged base first): chr14-96855297-C-CCAAAAGATGT. GRCh37 (hg19) VCF-style: chr14-97321634-C-CCAAAAGATGT.
Other names: c.653_662dup, p.His221fs (NM_001411051.1, NM_001411053.1); short protein forms H221fs.
Identifiers: ClinVar variation 5010830 (VCV005010830.1).

ClinVar aggregate classification (germline): Pathogenic (1 of 4 stars; one submission).

Conditions:
Pontocerebellar hypoplasia type 1A (PCH1A). Also called: PONTOCEREBELLAR HYPOPLASIA WITH ANTERIOR HORN CELL DISEASE; PONTOCEREBELLAR HYPOPLASIA WITH INFANTILE SPINAL MUSCULAR ATROPHY. Identifiers: Orphanet 2254, Orphanet 88616, MedGen C1843504, MONDO:0011866, OMIM 607596.

Submission:

Myriad Genetics, Inc.
Classification: Pathogenic for Pontocerebellar hypoplasia type 1A. Last evaluated: 2024-05-14. Review status: criteria provided, single submitter. Criteria: Myriad Autosomal Dominant, Autosomal Recessive and X-Linked Classification Criteria (2023). Collection method: clinical testing. Allele origin: unknown.
Comment: NM_003384.2(VRK1):c.653_662dup10(H221Qfs*9) is expected to be pathogenic in the context of pontocerebellar hypoplasia, VRK1-related. This variant is predicted to lead to an abnormal or absent protein product due to the creation of a premature termination codon in VRK1, a gene where loss-of-function variants are known to be pathogenic. Please note: this variant was assessed in the context of healthy population screening.